The following is an entry in ClinVar:

NM_000744.7(CHRNA4):c.1091T>A (p.Val364Asp)

Gene: CHRNA4 (cholinergic receptor nicotinic alpha 4 subunit; minus strand). Cytogenetic location: 20q13.33.
Variant type: single nucleotide variant.
Coding change: c.1091T>A on transcript NM_000744.7 (MANE Select); coding-DNA position 1091, T replaced by A.
Protein change: p.Val364Asp; replaces valine 364 with aspartic acid.
Molecular consequence: missense variant. On other transcripts: non-coding transcript variant (1).
Genome position (GRCh38, 1-based): chr20:63,350,320, A>T on the plus strand (T>A on the coding strand, the complement: CHRNA4 is on the minus strand). VCF-style: chr20-63350320-A-T. GRCh37 (hg19) VCF-style: chr20-61981672-A-T.
Other names: c.563T>A, p.Val188Asp (NM_001256573.2); short protein forms V188D, V364D.
Identifiers: ClinVar variation 2051039 (VCV002051039.4), dbSNP rs2516540245, ClinGen allele CA409635220.

ClinVar aggregate classification (germline): Uncertain significance (1 of 4 stars; one submission).

Conditions:
Familial sleep-related hypermotor epilepsy. Also called: Autosomal Dominant Sleep-Related Hypermotor (Hyperkinetic) Epilepsy. Identifiers: Orphanet 98784, MedGen C3696898, MONDO:0000030.

Allele frequency attached by ClinVar (database versions not stated): gnomAD exomes below 0.00001.
gnomAD v4.1: 1 of 1,613,270 alleles (0.000062%); highest among the groups gnomAD compares: Non-Finnish European, 0.000085%; no homozygotes.

Submission:

Labcorp Genetics (formerly Invitae), Labcorp
Classification: Uncertain significance. Last evaluated: 2022-09-01. Review status: criteria provided, single submitter. Criteria: Invitae Variant Classification Sherloc (09022015). Collection method: clinical testing. Allele origin: germline.
Comment: This variant is not present in population databases (gnomAD no frequency). This sequence change replaces valine, which is neutral and non-polar, with aspartic acid, which is acidic and polar, at codon 364 of the CHRNA4 protein (p.Val364Asp). This variant has not been reported in the literature in individuals affected with CHRNA4-related conditions. In summary, the available evidence is currently insufficient to determine the role of this variant in disease. Therefore, it has been classified as a Variant of Uncertain Significance. Algorithms developed to predict the effect of missense changes on protein structure and function are either unavailable or do not agree on the potential impact of this missense change (SIFT: "Deleterious"; PolyPhen-2: "Possibly Damaging"; Align-GVGD: "Class C0"). This missense change has been observed in at least one individual who was not affected with CHRNA4-related conditions (Invitae).